The following is an entry in ClinVar:

NM_031407.7(HUWE1):c.795T>C (p.His265=)

Gene: HUWE1 (HECT, UBA and WWE domain containing E3 ubiquitin protein ligase 1; minus strand). Cytogenetic location: Xp11.22.
Variant type: single nucleotide variant.
Coding change: c.795T>C on transcript NM_031407.7 (MANE Select); coding-DNA position 795, T replaced by C.
Protein change: p.His265=; no amino-acid change (histidine 265 retained).
Molecular consequence: synonymous variant.
Genome position (GRCh38, 1-based): chrX:53,631,002, A>G on the plus strand (T>C on the coding strand, the complement: HUWE1 is on the minus strand). VCF-style: chrX-53631002-A-G. GRCh37 (hg19) VCF-style: chrX-53657954-A-G.
Identifiers: ClinVar variation 1216787 (VCV001216787.12), dbSNP rs782644703, ClinGen allele CA10423023.

ClinVar aggregate classification (germline): Likely benign. Review status: criteria provided, multiple submitters, no conflicts (2 of 4 stars). 4 submissions from 4 submitters: Likely benign (4). Last evaluated 2026-04-01.

Conditions:
Inborn genetic diseases. Identifiers: MedGen C0950123, MeSH D030342.

Allele frequency attached by ClinVar (database versions not stated): ExAC 0.00001; gnomAD exomes 0.00001 and 0.00004; TOPMed 0.00004.
gnomAD v4.1: 10 of 1,192,432 alleles (0.00084%); highest among the groups gnomAD compares: Admixed American, 0.02%; no homozygotes.

Submissions (4):

CeGaT Center for Human Genetics Tuebingen
Classification: Likely benign. Last evaluated: 2026-04-01. Review status: criteria provided, single submitter. Criteria: CeGaT Center For Human Genetics Tuebingen Variant Classification Criteria Version 2. Collection method: clinical testing. Allele origin: germline. Affected: yes. Observed: 1 variant allele.
Comment: HUWE1: BP4, BP7

Labcorp Genetics (formerly Invitae), Labcorp
Classification: Likely benign. Last evaluated: 2025-11-28. Review status: criteria provided, single submitter. Criteria: Invitae Variant Classification Sherloc (09022015). Collection method: clinical testing. Allele origin: germline.

GeneDx
Classification: Likely benign. Last evaluated: 2020-12-16. Review status: criteria provided, single submitter. Criteria: GeneDx Variant Classification Process June 2021. Collection method: clinical testing. Allele origin: germline. Affected: yes.

Ambry Genetics
Classification: Likely benign for Inborn genetic diseases. Last evaluated: 2019-09-06. Review status: criteria provided, single submitter. Criteria: Ambry Variant Classification Scheme 2023. Collection method: clinical testing. Allele origin: germline.